The following is an entry in ClinVar:

ClinVar aggregate classification (germline): Conflicting classifications of pathogenicity. Review status: criteria provided, conflicting classifications (1 of 4 stars). 2 submissions from 2 submitters: Likely pathogenic (1); Uncertain significance (1). Last evaluated 2024-08-30.

Allele frequency attached by ClinVar (database versions not stated): TOPMed below 0.00001.

Submissions (2):

Women's Health and Genetics/Laboratory Corporation of America, LabCorp
Classification: Uncertain significance. Last evaluated: 2024-08-30. Review status: criteria provided, single submitter. Criteria: LabCorp Variant Classification Summary - May 2015. Collection method: clinical testing. Allele origin: germline.
Comment: Variant summary: F8 c.101A>T (p.Asp34Val) results in a non-conservative amino acid change in the encoded protein sequence. Five of five in-silico tools predict a damaging effect of the variant on protein function. The variant was absent in 183194 control chromosomes. The available data on variant occurrences in the general population are insufficient to allow any conclusion about variant significance. c.101A>T has been reported in the literature in at least one individual affected with Hemophilia A (Johnsen_2017, Johnsen_2022). These data do not allow any conclusion about variant significance. To our knowledge, no experimental evidence demonstrating an impact on protein function has been reported. The following publications have been ascertained in the context of this evaluation (PMID: 29296726, 35770352). ClinVar contains an entry for this variant (Variation ID: 2428606). Based on the evidence outlined above, the variant was classified as uncertain significance.

ARUP Laboratories, Molecular Genetics and Genomics, ARUP Laboratories
Classification: Likely pathogenic. Last evaluated: 2022-11-07. Review status: criteria provided, single submitter. Criteria: ARUP Molecular Germline Variant Investigation Process 2021. Collection method: clinical testing. Allele origin: germline.
Comment: The F8 c.101A>T; p.Asp34Val variant (rs2073764726) is reported in an individual with mild hemophilia A (see F8 Variant Database, Johnsen 2017). This variant is absent from the Genome Aggregation Database, indicating it is not a common polymorphism. The aspartate at codon 34 is highly conserved, and computational analyses predict that this variant is deleterious (REVEL: 0.891). Based on available information, this variant is considered to be likely pathogenic. References: Factor VIII Gene (F8) Variant Database: Johnsen JM et al. Novel approach to genetic analysis and results in 3000 hemophilia patients enrolled in the My Life, Our Future initiative. Blood Adv. 2017 May 18;1(13):824-834. PMID: 29296726.

Literature cited by the submitters: PubMed 35770352 (cited by Women's Health and Genetics/Laboratory Corporation of America, LabCorp); PubMed 29296726 (cited by Women's Health and Genetics/Laboratory Corporation of America, LabCorp).

NM_000132.4(F8):c.101A>T (p.Asp34Val)

Gene: F8 (coagulation factor VIII; minus strand). Cytogenetic location: Xq28.
Variant type: single nucleotide variant.
Coding change: c.101A>T on transcript NM_000132.4 (MANE Select); coding-DNA position 101, A replaced by T.
Protein change: p.Asp34Val; replaces aspartic acid 34 with valine.
Molecular consequence: missense variant.
Genome position (GRCh38, 1-based): chrX:155,022,452, T>A on the plus strand (A>T on the coding strand, the complement: F8 is on the minus strand). VCF-style: chrX-155022452-T-A. GRCh37 (hg19) VCF-style: chrX-154250727-T-A.
Other names: short protein forms D34V.
Identifiers: ClinVar variation 2428606 (VCV002428606.4), dbSNP rs2073764726, ClinGen allele CA414920522.